The following is an entry in ClinVar:

NM_001256071.3(RNF213):c.12520_12522del (p.Phe4174del)

Genes: RNF213 (ring finger protein 213; plus strand), RNF213-AS1 (RNF213 antisense RNA 1; minus strand), LOC126862663 (BRD4-independent group 4 enhancer GRCh37_chr17:78345568-78346767; plus strand). Cytogenetic location: 17q25.3.
Variant type: Deletion.
Coding change: c.12520_12522del on transcript NM_001256071.3 (MANE Select); coding-DNA positions 12520 to 12522, 3 bases deleted (TTC; older notation c.12520_12522delTTC).
Protein change: p.Phe4174del; deletes phenylalanine 4174.
Molecular consequence: inframe deletion.
Genome position (GRCh38, 1-based): chr17:80,371,968-80,371,970, TTC deleted; deleting any 3 consecutive bases within chr17:80,371,966-80,371,970 gives the same sequence; the c. name uses the placement nearest the transcript's 3' end. VCF-style (leftmost placement, unchanged base first): chr17-80371965-CTCT-C. GRCh37 (hg19) VCF-style: chr17-78345765-CTCT-C.
Other names: c.12667_12669del, p.Phe4223del (NM_001410195.1, NM_020914.5); short protein forms F4174del, F4223del.
Identifiers: ClinVar variation 4733873 (VCV004733873.1).
Genomic context (GRCh38, chr17:80,371,965, plus strand): 5'-TATTTGACCCTGTTAAAAAAGAAAGCATTCATAACTGAAGATAAAACTGAACTGTACATG[CTCT>C]TCATCAACTGCCTGGAGGTAAGTGAACTCTCTCTTCCCTGAATTTCTTTTGGAAACTATC-3'

ClinVar aggregate classification (germline): Uncertain significance (1 of 4 stars; one submission).

Submission:

Labcorp Genetics (formerly Invitae), Labcorp
Classification: Uncertain significance. Last evaluated: 2026-01-05. Review status: criteria provided, single submitter. Criteria: Invitae Variant Classification Sherloc (09022015). Collection method: clinical testing. Allele origin: germline.
Comment: This variant, c.12520_12522del, results in the deletion of 1 amino acid(s) of the RNF213 protein (p.Phe4174del), but otherwise preserves the integrity of the reading frame. This variant is not present in population databases (gnomAD no frequency). This variant has not been reported in the literature in individuals affected with RNF213-related conditions. Experimental studies and prediction algorithms are not available or were not evaluated, and the functional significance of this variant is currently unknown. In summary, the available evidence is currently insufficient to determine the role of this variant in disease. Therefore, it has been classified as a Variant of Uncertain Significance.